The following is an entry in ClinVar:

NM_031372.4(HNRNPDL):c.245G>C (p.Arg82Pro)

Gene: HNRNPDL (heterogeneous nuclear ribonucleoprotein D like; minus strand). Cytogenetic location: 4q21.22.
Variant type: single nucleotide variant.
Coding change: c.245G>C on transcript NM_031372.4 (MANE Select); coding-DNA position 245, G replaced by C.
Protein change: p.Arg82Pro; replaces arginine 82 with proline.
Molecular consequence: missense variant. On other transcripts: non-coding transcript variant (1).
Genome position (GRCh38, 1-based): chr4:82,429,446, C>G on the plus strand (G>C on the coding strand, the complement: HNRNPDL is on the minus strand). VCF-style: chr4-82429446-C-G. GRCh37 (hg19) VCF-style: chr4-83350599-C-G.
Other names: c.245G>C, p.Arg82Pro (NM_001207000.1); short protein forms R82P.
Identifiers: ClinVar variation 2727353 (VCV002727353.3), dbSNP rs200595389, ClinGen allele CA2985112.
Genomic context (GRCh38, chr4:82,429,446, plus strand): 5'-GCAGCGGCGGCGGAGCGTTGTATGGAGCTGGATTTAAAATGGCGGCGGAAGAGATCCGGG[C>G]GCCGCCTGCGCCCTCCCTTTATAGCCGCCCCGCCCGCCAATCGGGAGGGCTGCTGGGCGG-3'
Protein context (NP_112740.1, residues 72-92): GAAIKGGRRR[Arg82Pro]PDLFRRHFKS

ClinVar aggregate classification (germline): Uncertain significance (1 of 4 stars; one submission).

Conditions:
Autosomal dominant limb-girdle muscular dystrophy type 1G (LGMDD3). Also called: Limb-girdle muscular dystrophy, type 1G; MUSCULAR DYSTROPHY, LIMB-GIRDLE, AUTOSOMAL DOMINANT 3. Identifiers: Orphanet 55596, MedGen C1836765, MONDO:0012193, OMIM 609115.

Submission:

Labcorp Genetics (formerly Invitae), Labcorp
Classification: Uncertain significance for Autosomal dominant limb-girdle muscular dystrophy type 1G. Last evaluated: 2025-09-21. Review status: criteria provided, single submitter. Criteria: Invitae Variant Classification Sherloc (09022015). Collection method: clinical testing. Allele origin: germline.
Comment: This sequence change replaces arginine, which is basic and polar, with proline, which is neutral and non-polar, at codon 82 of the HNRNPDL protein (p.Arg82Pro). This variant is present in population databases (rs200595389, gnomAD 0.003%). This variant has not been reported in the literature in individuals affected with HNRNPDL-related conditions. ClinVar contains an entry for this variant (Variation ID: 2727353). An algorithm developed to predict the effect of missense changes on protein structure and function (PolyPhen-2) suggests that this variant is likely to be disruptive. In summary, the available evidence is currently insufficient to determine the role of this variant in disease. Therefore, it has been classified as a Variant of Uncertain Significance.